The following is an entry in ClinVar:

NM_000444.6(PHEX):c.972_976dup (p.Leu326fs)

Gene: PHEX (phosphate regulating endopeptidase X-linked; plus strand). Cytogenetic location: Xp22.11.
Variant type: Duplication.
Coding change: c.972_976dup on transcript NM_000444.6 (MANE Select); coding-DNA positions 972 to 976, 5 bases duplicated (CAGAC; older notation c.972_976dupCAGAC).
Protein change: p.Leu326fs; shifts the reading frame from leucine 326.
Molecular consequence: frameshift variant.
Genome position (GRCh38, 1-based): chrX:22,099,044-22,099,048, CAGAC duplicated; duplicating any 5 consecutive bases within chrX:22,099,042-22,099,048 gives the same sequence; the c. name uses the placement nearest the transcript's 3' end. VCF-style (leftmost placement, unchanged base first): chrX-22099041-C-CACCAG. GRCh37 (hg19) VCF-style: chrX-22117159-C-CACCAG.
Other names: c.972_976dup, p.Leu326fs (NM_001282754.2); short protein forms L326fs.
Identifiers: ClinVar variation 3336695 (VCV003336695.2).
Genomic context (GRCh38, chrX:22,099,041, plus strand): 5'-TCTGTTTTGTTCTCTCTCCCCTCAGTTCGACTGGCTGGGCTACATCAAGAAGGTCATTGA[C>CACCAG]ACCAGACTCTACCCCCATCTGAAAGACATCAGCCCCTCCGAGAATGTGGTGGTCCGCGTC-3'

ClinVar aggregate classification (germline): Pathogenic (1 of 4 stars; one submission).

Conditions:
Familial X-linked hypophosphatemic vitamin D refractory rickets (XLHRD). Also called: X-Linked Hypophosphatemia; Hypophosphatemic Rickets, X-Linked Dominant; HYPOPHOSPHATEMIC VITAMIN D-RESISTANT RICKETS; Hypophosphatemia, vitamin D-resistant rickets; Vitamin D-resistant rickets, X-linked. Identifiers: Orphanet 89936, MedGen C0733682, MONDO:0010619, OMIM 307800.

Submission:

Genos
Classification: Pathogenic for Familial X-linked hypophosphatemic vitamin D refractory rickets. Last evaluated: 2024-08-08. Review status: criteria provided, single submitter. Criteria: ACMG Guidelines, 2015. Collection method: case-control. Allele origin: unknown. Affected: yes. Observed: 1 hemizygote.
Comment: Clinical exome sequencing identified a hemizygous variant NM_000444.4:c.972_976dup p.(Leu326Profs*7) in the PHEX gene. This mutation results in the insertion of a sequence of nucleotides that leads to a frameshift, denoted by the protein change p.Leu326Profs*7. The frameshift caused by the duplication alters the gene's reading frame from codon 326 onwards, producing a misfolded protein with a premature termination codon introduced at the seventh amino acid position downstream of the leucine at position 326. This premature stop codon is likely to trigger nonsense-mediated mRNA decay (NMD), leading to either a reduced level of the PHEX protein or the production of a truncated protein lacking functional domains necessary for its regular activity. The variant was absent in control chromosomes in the GnomAD v4.1.0 database. No clinical diagnostic laboratories have submitted clinical significance assessments for this variant to ClinVar or any other available database. According to the ACMG recommendations, the variant was classified as pathogenic (criteria: PVS1, PM2).